The following is an entry in ClinVar:

ClinVar aggregate classification (germline): Pathogenic/Likely pathogenic. Review status: criteria provided, multiple submitters, no conflicts (2 of 4 stars). 4 submissions from 4 submitters: Pathogenic (1); Likely pathogenic (3). Last evaluated 2025-01-14.

Conditions:
Familial thoracic aortic aneurysm and aortic dissection (TAAD). Also called: Thoracic aortic aneurysms and dissections. Identifiers: Orphanet 91387, MedGen C4707243, MONDO:0019625.
Marfan syndrome (MFS). Also called: Marfan syndrome type 1; MARFAN SYNDROME, TYPE I; Marfan's syndrome; FBN1-Related Marfan Syndrome; Marfan syndrome, classic. Identifiers: Orphanet 284963, Orphanet 558, MedGen C0024796, MONDO:0007947, OMIM 154700.

Submissions (4):

Labcorp Genetics (formerly Invitae), Labcorp
Classification: Pathogenic for Marfan syndrome; Familial thoracic aortic aneurysm and aortic dissection. Last evaluated: 2025-01-14. Review status: criteria provided, single submitter. Criteria: Invitae Variant Classification Sherloc (09022015). Collection method: clinical testing. Allele origin: germline.
Comment: This sequence change replaces cysteine, which is neutral and slightly polar, with tyrosine, which is neutral and polar, at codon 2230 of the FBN1 protein (p.Cys2230Tyr). This variant is not present in population databases (gnomAD no frequency). This missense change has been observed in individual(s) with clinical features of FBN1-related conditions (internal data). ClinVar contains an entry for this variant (Variation ID: 493158). Invitae Evidence Modeling of protein sequence and biophysical properties (such as structural, functional, and spatial information, amino acid conservation, physicochemical variation, residue mobility, and thermodynamic stability) indicates that this missense variant is expected to disrupt FBN1 protein function with a positive predictive value of 95%. This variant affects a cysteine residue in the EGF-like, TGFBP or hybrid motif domains of FBN1. Cysteine residues are believed to be involved in intramolecular disulfide bridges and have been shown to be important for FBN1 protein structure (PMID: 16905551, 19349279). In addition, missense substitutions affecting cysteine residues within these domains are significantly overrepresented among patients with Marfan syndrome (PMID: 16571647, 17701892). This variant disrupts the p.Cys2230 amino acid residue in FBN1. Other variant(s) that disrupt this residue have been observed in individuals with FBN1-related conditions (PMID: 34550612; internal data), which suggests that this may be a clinically significant amino acid residue. For these reasons, this variant has been classified as Pathogenic.

Ambry Genetics
Classification: Likely pathogenic for Familial thoracic aortic aneurysm and aortic dissection. Last evaluated: 2021-04-20. Review status: criteria provided, single submitter. Criteria: Ambry Variant Classification Scheme 2023. Collection method: clinical testing. Allele origin: germline.
Comment: The p.C2230Y variant (also known as c.6689G>A), located in coding exon 54 of the FBN1 gene, results from a G to A substitution at nucleotide position 6689. The cysteine at codon 2230 is replaced by tyrosine, an amino acid with highly dissimilar properties. The majority of FBN1 mutations identified to date have involved the substitution or generation of cysteine residues within cbEGF domains (Vollbrandt T et al. J Biol Chem. 2004;279(31):32924-32931). Based on internal structural assessment, this alteration eliminates a structurally critical disulfide bond in the structurally sensitive cbEGF domain #34. Additionally, this alteration has been detected in individuals reported to have Marfan syndrome (Ambry internal data). This variant was not reported in population-based cohorts in the Genome Aggregation Database (gnomAD). This amino acid position is highly conserved in available vertebrate species. In addition, this alteration is predicted to be deleterious by in silico analysis. Based on the majority of available evidence to date, this variant is likely to be pathogenic.

Baylor Genetics
Classification: Likely pathogenic for Marfan syndrome. Last evaluated: 2020-06-09. Review status: criteria provided, single submitter. Criteria: ACMG Guidelines, 2015. Collection method: clinical testing. Allele origin: unknown. Affected: yes.
Comment: This variant was determined to be likely pathogenic according to ACMG Guidelines, 2015 [PMID:25741868].

CeGaT Center for Human Genetics Tuebingen
Classification: Likely pathogenic. Last evaluated: 2017-08-01. Review status: criteria provided, single submitter. Criteria: CeGaT Center For Human Genetics Tuebingen Variant Classification Criteria Version 2. Collection method: clinical testing. Allele origin: germline. Affected: yes. Observed: 1 variant allele.

Literature cited by the submitters: PubMed 16905551 (cited by Labcorp Genetics (formerly Invitae), Labcorp); PubMed 19349279 (cited by Labcorp Genetics (formerly Invitae), Labcorp); PubMed 16571647 (cited by Labcorp Genetics (formerly Invitae), Labcorp); PubMed 17701892 (cited by Labcorp Genetics (formerly Invitae), Labcorp); PubMed 34550612 (cited by Labcorp Genetics (formerly Invitae), Labcorp); PubMed 15161917 (cited by Ambry Genetics).

NM_000138.5(FBN1):c.6689G>A (p.Cys2230Tyr)

Gene: FBN1 (fibrillin 1; minus strand). Cytogenetic location: 15q21.1.
Variant type: single nucleotide variant.
Coding change: c.6689G>A on transcript NM_000138.5 (MANE Select); coding-DNA position 6689, G replaced by A.
Protein change: p.Cys2230Tyr; replaces cysteine 2230 with tyrosine.
Molecular consequence: missense variant.
Genome position (GRCh38, 1-based): chr15:48,432,916, C>T on the plus strand (G>A on the coding strand, the complement: FBN1 is on the minus strand). VCF-style: chr15-48432916-C-T. GRCh37 (hg19) VCF-style: chr15-48725113-C-T.
Other names: short protein forms C2230Y.
Identifiers: ClinVar variation 493158 (VCV000493158.54), dbSNP rs1555394904, ClinGen allele CA392333422.